The following is an entry in ClinVar:

ClinVar aggregate classification (germline): Uncertain significance (1 of 4 stars; one submission).

gnomAD v4.1: 2 of 1,614,104 alleles (0.00012%); no homozygotes.

Submission:

CeGaT Center for Human Genetics Tuebingen
Classification: Uncertain significance. Last evaluated: 2026-07-01. Review status: criteria provided, single submitter. Criteria: CeGaT Center For Human Genetics Tuebingen Variant Classification Criteria Version 2. Collection method: clinical testing. Allele origin: germline. Affected: yes. Observed: 2 variant alleles.
Comment: MAN2B1: PM2

NM_000528.4(MAN2B1):c.1101C>A (p.Asn367Lys)

Gene: MAN2B1 (mannosidase alpha class 2B member 1; minus strand). Cytogenetic location: 19p13.13.
Variant type: single nucleotide variant.
Coding change: c.1101C>A on transcript NM_000528.4 (MANE Select); coding-DNA position 1101, C replaced by A.
Protein change: p.Asn367Lys; replaces asparagine 367 with lysine.
Molecular consequence: missense variant.
Genome position (GRCh38, 1-based): chr19:12,658,436, G>T on the plus strand (C>A on the coding strand, the complement: MAN2B1 is on the minus strand). VCF-style: chr19-12658436-G-T. GRCh37 (hg19) VCF-style: chr19-12769250-G-T.
Other names: c.1098C>A, p.Asn366Lys (NM_001173498.2); short protein forms N366K, N367K.
Identifiers: ClinVar variation 3341871 (VCV003341871.16).